The following is an entry in ClinVar:

ClinVar aggregate classification (germline): Uncertain significance (1 of 4 stars; one submission).

Conditions:
Rhabdoid tumor predisposition syndrome 2 (RTPS2). Identifiers: Orphanet 231108, Orphanet 69077, MedGen C2750074, MONDO:0013224, OMIM 613325.

Submission:

Labcorp Genetics (formerly Invitae), Labcorp
Classification: Uncertain significance for Rhabdoid tumor predisposition syndrome 2. Last evaluated: 2022-10-13. Review status: criteria provided, single submitter. Criteria: Invitae Variant Classification Sherloc (09022015). Collection method: clinical testing. Allele origin: germline.
Comment: This sequence change replaces methionine, which is neutral and non-polar, with isoleucine, which is neutral and non-polar, at codon 1317 of the SMARCA4 protein (p.Met1317Ile). This variant also falls at the last nucleotide of exon 28, which is part of the consensus splice site for this exon. This variant is not present in population databases (gnomAD no frequency). In summary, the available evidence is currently insufficient to determine the role of this variant in disease. Therefore, it has been classified as a Variant of Uncertain Significance. Variants that disrupt the consensus splice site are a relatively common cause of aberrant splicing (PMID: 17576681, 9536098). Algorithms developed to predict the effect of missense changes on protein structure and function are either unavailable or do not agree on the potential impact of this missense change (SIFT: "Deleterious"; PolyPhen-2: "Benign"; Align-GVGD: "Class C0"). This variant has not been reported in the literature in individuals affected with SMARCA4-related conditions.

Literature cited by the submitters: PubMed 17576681; PubMed 9536098.

NM_003072.5(SMARCA4):c.3951G>A (p.Met1317Ile)

Gene: SMARCA4 (SWI/SNF related BAF chromatin remodeling complex subunit ATPase 4; plus strand). Cytogenetic location: 19p13.2.
Variant type: single nucleotide variant.
Coding change: c.3951G>A on transcript NM_003072.5 (MANE Select); coding-DNA position 3951, G replaced by A.
Protein change: p.Met1317Ile; replaces methionine 1317 with isoleucine.
Molecular consequence: missense variant. On other transcripts: non-coding transcript variant (1).
Genome position (GRCh38, 1-based): chr19:11,034,200, G>A. VCF-style: chr19-11034200-G-A. GRCh37 (hg19) VCF-style: chr19-11144876-G-A.
Other names: c.3951G>A, p.Met1317Ile (NM_001128844.3, NM_001128849.3, NM_001387283.1); c.3852G>A, p.Met1284Ile (NM_001128845.2, NM_001128846.2, NM_001128847.4 and 3 more transcripts); short protein forms M1317I, M1284I.
Identifiers: ClinVar variation 2096240 (VCV002096240.4), dbSNP rs2146679868, ClinGen allele CA404067964.
Genomic context (GRCh38, chr19:11,034,200, plus strand): 5'-CGACGACGAGACCGTCAACCAGATGATCGCCCGGCACGAGGAGGAGTTTGATCTGTTCAT[G>A]GTAAGCGCTGCAGGCTGGATGGGGCAGTTCAGGCATCCCACTCTGCTGCCACCAGGAGCA-3'
Protein context (NP_003063.2, residues 1307-1327): ARHEEEFDLF[Met1317Ile]RMDLDRRREE